The following is an entry in ClinVar:

ClinVar aggregate classification (germline): Uncertain significance. Review status: criteria provided, multiple submitters, no conflicts (2 of 4 stars). 14 submissions from 14 submitters: Uncertain significance (12). 2 of the submissions do not count toward it. Last evaluated 2026-04-14.

Conditions:
Breast-ovarian cancer, familial, susceptibility to, 5 (BROVCA5). Identifiers: MedGen C5830615, MONDO:0957530, OMIM 620442.
Fanconi anemia complementation group N. Also called: PALB2-Related Fanconi Anemia. Identifiers: Orphanet 84, MedGen C1835817, MONDO:0012565, OMIM 610832. Disease mechanism: loss of function.
Pancreatic cancer, susceptibility to, 3. Identifiers: Orphanet 1333, MedGen C3150547, MONDO:0013236, OMIM 613348.
Hereditary cancer-predisposing syndrome. Also called: Tumor predisposition; Hereditary neoplastic syndrome; Neoplastic Syndromes, Hereditary; Hereditary Cancer Syndrome. Identifiers: Orphanet 140162, MedGen C0027672, MeSH D009386, MONDO:0015356.
Hereditary breast ovarian cancer syndrome. Also called: Hereditary breast and ovarian cancer syndrome (HBOC); Hereditary breast and ovarian cancer; Hereditary breast and ovarian cancer syndrome; Breast and ovarian cancer; Hereditary breast and/or ovarian cancer syndrome; BRCA1- and BRCA2-Associated Hereditary Breast and Ovarian Cancer. Identifiers: Orphanet 145, MedGen C0677776, MeSH D061325, MONDO:0003582. Disease mechanism: loss of function.
Familial cancer of breast. Also called: Hereditary breast cancer; hereditary breast carcinoma; BREAST CANCER, FAMILIAL. Identifiers: Orphanet 227535, MedGen C0346153, MONDO:0016419, OMIM 114480. Disease mechanism: loss of function.

gnomAD v4.1: 7 of 1,613,990 alleles (0.00043%); highest among the groups gnomAD compares: Non-Finnish European, 0.00059%; no homozygotes.

Submissions 1 to 9 of 14:

German Consortium for Hereditary Breast and Ovarian Cancer, University Hospital Cologne
Classification: Uncertain significance for Hereditary breast ovarian cancer syndrome. Last evaluated: 2026-04-14. Review status: criteria provided, single submitter. Criteria: ClinGen PALB2 V1.2.0. Collection method: curation. Allele origin: germline.
Comment: This classification follows the ClinGen ACMG PALB2 v1.2.0 classification scheme; We chose these criteria: PVS1 (supporting pathogenic): Runterstufen? PVS1(RNA): Llinares-Burguet (2024, PMID: 39518003): FL-Transcript: 49.3% ± 1.6%; PTC-NMD: △(E12) [44.6% ± 1.8%]; △(E12q44) [4.7% ± 0.1%]; △(E7p10) [1.4% ± 0.1%] Bei Ex12-Skipping würde PVS1_VSTR gelten Ambry internal data: RNA studies have demonstrated that this alteration results in an incomplete splice defect; the clinical impact of this abnormal splicing is unknown at this time., BP1 (supporting benign): Apply to all PALB2 missense variants

CeGaT Center for Human Genetics Tuebingen
Classification: Uncertain significance. Last evaluated: 2026-01-01. Review status: criteria provided, single submitter. Criteria: CeGaT Center For Human Genetics Tuebingen Variant Classification Criteria Version 2. Collection method: clinical testing. Allele origin: germline. Affected: yes. Observed: 1 variant allele.
Comment: PALB2: PM2, BP4

Center for Genomic Medicine, Rigshospitalet, Copenhagen University Hospital
Classification: Uncertain significance. Last evaluated: 2025-12-29. Review status: criteria provided, single submitter. Criteria: ACMG Guidelines, 2015. Collection method: clinical testing. Allele origin: germline.
Comment: Classification criteria: PP3

Labcorp Genetics (formerly Invitae), Labcorp
Classification: Uncertain significance for Familial cancer of breast. Last evaluated: 2025-12-15. Review status: criteria provided, single submitter. Criteria: Invitae Variant Classification Sherloc (09022015). Collection method: clinical testing. Allele origin: germline.
Comment: This sequence change replaces serine, which is neutral and polar, with arginine, which is basic and polar, at codon 1102 of the PALB2 protein (p.Ser1102Arg). This variant is present in population databases (no rsID available, gnomAD 0.003%). This missense change has been observed in individual(s) with colorectal cancer, esophageal squamous cell carcinoma, and/or a personal or family history of breast cancer (PMID: 21279724, 22692731, 26489409, 27573125, 33980423; internal data). ClinVar contains an entry for this variant (Variation ID: 126731). An algorithm developed to predict the effect of missense changes on protein structure and function (PolyPhen-2) suggests that this variant is likely to be disruptive. Experimental studies have shown that this missense change does not substantially affect PALB2 function (PMID: 31586400, 31636395). Studies have shown this missense change is associated with skipping of exon 12, but one or more of the resulting mRNA isoform(s) may be naturally occurring (PMID: 30890586; internal data). In summary, the available evidence is currently insufficient to determine the role of this variant in disease. Therefore, it has been classified as a Variant of Uncertain Significance.

Ambry Genetics
Classification: Uncertain significance for Hereditary cancer-predisposing syndrome. Last evaluated: 2025-02-06. Review status: criteria provided, single submitter. Criteria: Ambry Variant Classification Scheme 2023. Collection method: clinical testing. Allele origin: germline.
Comment: The c.3306C>G variant (also known as p.S1102R), located in coding exon 12 of the PALB2 gene, results from a C to G substitution at nucleotide position 3306. The serine at codon 1102 is replaced by arginine, an amino acid with dissimilar properties. In addition, this alteration was found to be functionally normal in a homology-directed DNA repair (HDR) assay (Wiltshire T et al. Genet Med, 2020 03;22:622-632). This nucleotide position is not well conserved in available vertebrate species. In silico splice site analysis predicts that this alteration may weaken the native splice acceptor site. A mini gene RNA splicing analysis demonstrated exon 12 skipping was associated with this variant (Llinares-Burguet I et al. Cancers (Basel), 2024 Oct;16:). RNA studies have demonstrated that this alteration results in an incomplete splice defect; the clinical impact of this abnormal splicing is unknown at this time (Ambry internal data). This amino acid position is not well conserved in available vertebrate species. In addition, as a missense substitution this is predicted to be tolerated by in silico analysis. Since supporting evidence is limited at this time, the clinical significance of this alteration remains unclear.

Fulgent Genetics
Classification: Uncertain significance for Fanconi anemia complementation group N; Pancreatic cancer, susceptibility to, 3; Breast-ovarian cancer, familial, susceptibility to, 5. Last evaluated: 2024-01-19. Review status: criteria provided, single submitter. Criteria: ACMG Guidelines, 2015. Collection method: clinical testing. Allele origin: germline.

Baylor Genetics
Classification: Uncertain significance for Familial cancer of breast. Last evaluated: 2023-09-05. Review status: criteria provided, single submitter. Criteria: ACMG Guidelines, 2015. Collection method: clinical testing. Allele origin: unknown.

Myriad Genetics, Inc.
Classification: Uncertain significance for Familial cancer of breast. Last evaluated: 2023-03-31. Review status: criteria provided, single submitter. Criteria: Myriad Autosomal Dominant, Autosomal Recessive and X-Linked Classification Criteria (2023). Collection method: clinical testing. Allele origin: unknown.
Comment: This variant is classified as a variant of uncertain significance as there is insufficient evidence to determine its impact on protein function and/or cancer risk.

Women's Health and Genetics/Laboratory Corporation of America, LabCorp
Classification: Uncertain significance. Last evaluated: 2023-02-27. Review status: criteria provided, single submitter. Criteria: LabCorp Variant Classification Summary - May 2015. Collection method: clinical testing. Allele origin: germline.
Comment: Variant summary: PALB2 c.3306C>G (p.Ser1102Arg) results in a non-conservative amino acid change located in the Partner and localiser of BRCA2, WD40 domain (IPR031920) of the encoded protein sequence. Three of five in-silico tools predict a damaging effect of the variant on protein function. The variant allele was found at a frequency of 8e-06 in 251476 control chromosomes. The available data on variant occurrences in the general population are insufficient to allow any conclusion about variant significance. c.3306C>G has been reported in the literature in individuals affected with Breast Cancer (Catucci_2012, Li_2015, Cecener_2016, EceSolmaz_PALB2_CBC_2021, etc.) and esophageal squamous cell carcinoma (ESCC) (Akbari_2011). These report(s) do not provide unequivocal conclusions about association of the variant with Prostate Cancer. At least one publication reports experimental evidence evaluating an impact on protein function. The most pronounced variant effect results in >50%-90% of normal activity (Wiltshire_2020, Rodrigue_2019). Eight ClinVar submitters have submitted clinical-significance assessments for this variant to ClinVar after 2014. All laboratories classified the variant as uncertain significance (n=8). Based on the evidence outlined above, the variant was classified as uncertain significance.

NM_024675.4(PALB2):c.3306C>G (p.Ser1102Arg)

Gene: PALB2 (partner and localizer of BRCA2; minus strand). Cytogenetic location: 16p12.2.
Variant type: single nucleotide variant.
Coding change: c.3306C>G on transcript NM_024675.4 (MANE Select); coding-DNA position 3306, C replaced by G.
Protein change: p.Ser1102Arg; replaces serine 1102 with arginine.
Molecular consequence: missense variant.
Genome position (GRCh38, 1-based): chr16:23,607,908, G>C on the plus strand (C>G on the coding strand, the complement: PALB2 is on the minus strand). VCF-style: chr16-23607908-G-C. GRCh37 (hg19) VCF-style: chr16-23619229-G-C.
Other names: short protein forms S1102R.
Identifiers: ClinVar variation 126731 (VCV000126731.39), dbSNP rs515726112, ClinGen allele CA269610.
Genomic context (GRCh38, chr16:23,607,908, plus strand): 5'-AGTTATGCACACTTGCCTGCCAGCCTGCCCTGGAGGAAGACAGTACAGCATCACACCCAC[G>C]CTGAGAGTCGTCTTAGGGTTAATCACAATGAGCTGAAACACAGGGCTTCGCAACGACTCA-3'
Protein context (NP_078951.2, residues 1092-1112): LIVINPKTTL[Ser1102Arg]VGVMLYCLPP